The following is an entry in ClinVar:

NM_000243.3(MEFV):c.443A>T (p.Glu148Val)

Gene: MEFV (MEFV innate immunity regulator, pyrin; minus strand). Cytogenetic location: 16p13.3.
Variant type: single nucleotide variant.
Coding change: c.443A>T on transcript NM_000243.3 (MANE Select); coding-DNA position 443, A replaced by T.
Protein change: p.Glu148Val; replaces glutamic acid 148 with valine.
Molecular consequence: missense variant. On other transcripts: intron variant (1).
Genome position (GRCh38, 1-based): chr16:3,254,625, T>A on the plus strand (A>T on the coding strand, the complement: MEFV is on the minus strand). VCF-style: chr16-3254625-T-A. GRCh37 (hg19) VCF-style: chr16-3304625-T-A.
Other names: c.277+1686A>T (NM_001198536.2); short protein forms E148V.
Identifiers: ClinVar variation 2554 (VCV000002554.66), dbSNP rs104895076, ClinGen allele CA280120.

ClinVar aggregate classification (germline): Conflicting classifications of pathogenicity. Review status: criteria provided, conflicting classifications (1 of 4 stars). 16 submissions from 14 submitters: Likely pathogenic (3); Uncertain significance (8). 5 of the submissions do not count toward it. Last evaluated 2026-04-24.

Conditions:
MEFV-related disorder. Also called: MEFV-related disorders; MEFV-related condition.
Acute febrile neutrophilic dermatosis (AFND). Also called: Sweet Syndrome; Gomm Button disease. Identifiers: Orphanet 3243, MedGen C0085077, MONDO:0011959, OMIM 608068.
Familial Mediterranean fever (FMF). Also called: POLYSEROSITIS, FAMILIAL PAROXYSMAL; POLYSEROSITIS, RECURRENT; Periodic peritonitis; Benign paroxysmal peritonitis. Identifiers: Orphanet 342, MedGen C0031069, MONDO:0018088, OMIM 249100. Disease mechanism: gain of function.
Familial Mediterranean fever, autosomal dominant. Also called: Dominant Familial Mediterranean Fever; FMF, AUTOSOMAL DOMINANT. Identifiers: Orphanet 342, MedGen C1851347, MONDO:0007601, OMIM 134610.
Autoinflammatory syndrome. Identifiers: Orphanet 93665, MedGen C3890737, MONDO:0019751.

Allele frequency attached by ClinVar (database versions not stated): gnomAD 0.00001 and 0.00002; TOPMed 0.00004; gnomAD exomes 0.00008; ExAC 0.00010.
gnomAD v4.1: 63 of 1,604,930 alleles (0.0039%); highest among the groups gnomAD compares: Middle Eastern, 0.066%; no homozygotes.

Submissions 1 to 9 of 16:

Women's Health and Genetics/Laboratory Corporation of America, LabCorp
Classification: Uncertain significance. Last evaluated: 2026-04-24. Review status: criteria provided, single submitter. Criteria: LabCorp Variant Classification Summary - May 2015. Collection method: clinical testing. Allele origin: germline.
Comment: Variant summary: MEFV c.443A>T (p.Glu148Val) results in a non-conservative amino acid change in the encoded protein sequence. Algorithms developed to predict the effect of missense changes on protein structure and function all suggest that this variant is likely to be disruptive. A recently reported in-silico ensemble method for predicting pathogenicity of missense variants (Rare Exome Variant Ensemble Learner, REVEL) predicted a computed classification for this variant as likely pathogenic (Accetturo_2020). The variant allele was found at a frequency of 7.7e-05 in 235044 control chromosomes (gnomAD and publications). This frequency is not higher than expected for a pathogenic variant in MEFV causing Familial Mediterranean Fever (7.7e-05 vs 0.022), allowing no conclusion about variant significance. Following a comprehensive and conservative assessment of literature spanning over thirteen years (2007-2020), c.443A>T, has been reported in the literature in a homozygous/compound heterozygous genotype in multiple individuals affected with Familial Mediterranean Fever (example, Giaglis_2007, Ibrahim_2015, Lachmann_2006, Cekin_2017, Sandhya_2017, Gumus_2018, Bozgeyik_2020, Tanatar_2020). Numerous publications also reported affected individuals lacking a second allele. In addition, the variant has also been reported in asymptomatic individuals. At-least one co-occurrence in cis with another pathogenic MEFV variant (p.M694V Tchernitchko 2003) has been ascertained in the context of this evaluation. Variable reports of the extent of genotyping and lack of clearly defined phase information (i.e., presumed trans versus cis co-occurrence) confound an accurate assessment from the ascertained literature. These data indicate that the variant may be associated with disease in some genetic backgrounds. To our knowledge, no experimental evidence demonstrating an impact on protein function has been reported. The following publications have been ascertained in the context of this evaluation (PMID: 31411330, 21413889, 32199921, 28483595, 26028444, 23588594, 26003477, 22451026, 17489852, 29735907, 26585190, 15475974, 28597968, 16403826, 22903357, 11903360, 14578333, 23463692, 24469716, 29047407, 28211254, 31646357, 14578331, 15502081, 15643295). ClinVar contains an entry for this variant (Variation ID: 2554). Based on the evidence outlined above, the variant was classified as VUS-possibly pathogenic.

Natera, Inc.
Classification: Likely pathogenic for Familial Mediterranean fever. Last evaluated: 2025-11-07. Review status: criteria provided, single submitter. Criteria: Natera Variant Classification Schema (03/2026). Collection method: clinical testing. Allele origin: germline.
Comment: The c.443A>T variant in MEFV is a missense variant predicted to cause substitution of glutamic acid to valine at amino acid 148. This variant is rare in the general population with a frequency below the threshold expected for the associated phenotype(s). This variant has been observed in one or more individuals affected with the associated recessive disease, as either homozygous or compound heterozygous with a second variant (PMID: 33576586, 26585190, 29735907, 17489852, 26003477, 16403826). This variant has been observed in affected individual(s) with monoallelic occurrence (heterozygous/hemizygous) (PMID: 26003477, 40067091, 39042260). Computational prediction algorithms indicate this variant is likely to affect gene or protein function. Given the available evidence, this variant is classified as Likely Pathogenic.

GeneDx
Classification: Likely pathogenic. Last evaluated: 2025-06-03. Review status: criteria provided, single submitter. Criteria: GeneDx Variant Classification Process June 2021. Collection method: clinical testing. Allele origin: germline. Affected: yes.
Comment: In silico analysis supports that this missense variant has a deleterious effect on protein structure/function; This variant is associated with the following publications: (PMID: 16403826, 25449140, 31411330, 23289470, 23588594, 28597968, 28483595, 29735907, 26585190, 30783801, 30874249, 30915208, 29756710, 28211254, 27170062, 34426522, 26247045, 35358658, 33576586, 26003477, 32199921, 22451026, MalekA2024[Article], 14578331, AlanwnehK2024[Article], 31646357, 24469716, 17489852)

CeGaT Center for Human Genetics Tuebingen
Classification: Uncertain significance. Last evaluated: 2025-02-01. Review status: criteria provided, single submitter. Criteria: CeGaT Center For Human Genetics Tuebingen Variant Classification Criteria Version 2. Collection method: clinical testing. Allele origin: germline. Affected: yes. Observed: 2 variant alleles.
Comment: MEFV: PM2:Supporting, BP4

PreventionGenetics, part of Exact Sciences
Classification: Uncertain significance for MEFV-related condition. Last evaluated: 2025-01-22. Review status: criteria provided, single submitter. Criteria: ACMG Guidelines, 2015. Collection method: clinical testing. Allele origin: germline.
Comment: The MEFV c.443A>T variant is predicted to result in the amino acid substitution p.Glu148Val. This variant has been reported in the heterozygous, compound heterozygous, and homozygous states in individuals with Familial Mediterranean Fever (FMF) (Giaglis et al. 2007. PubMed ID: 17489852; Comak et al. 2013. PubMed ID: 23588594; Cekin et al. 2017. PubMed ID: 28483595; Bozgeyik et al. 2020. PubMed ID: 32199921). This variant has also been reported in the heterozygous state in individuals with juvenile idiopathic arthritis (Comaket al. 2013. PubMed ID: 23588594) and in a study of individuals with systemic autoinflammatory disease (Karacan et al. 2019. PubMed ID: 30783801). Other variants impacting the same amino acid have been reported in individuals with FMF (Giaglis et al. 2007. PubMed ID: 17489852; Sever et al. 2012. PubMed ID: 23289470). Another variant impacting this same amino acid (p.Glu148Gln) has also been reported in the heterozygous and compound heterozygous states in patients with juvenile idiopathic arthritis (Comak et al. 2013. PubMed ID: 23588594). This variant is reported in 0.043% of alleles in individuals of South Asian descent in gnomAD and has conflicting interpretations regarding its pathogenicity in ClinVar, ranging from likely pathogenic to uncertain significance to likely benign to benign. At this time, the clinical significance of this variant is uncertain due to the absence of conclusive functional and genetic evidence.

Labcorp Genetics (formerly Invitae), Labcorp
Classification: Uncertain significance for Familial Mediterranean fever. Last evaluated: 2025-01-08. Review status: criteria provided, single submitter. Criteria: Invitae Variant Classification Sherloc (09022015). Collection method: clinical testing. Allele origin: germline.
Comment: This sequence change replaces glutamic acid, which is acidic and polar, with valine, which is neutral and non-polar, at codon 148 of the MEFV protein (p.Glu148Val). This variant is present in population databases (rs104895076, gnomAD 0.04%). This missense change has been observed in individual(s) with familial mediterranean fever (PMID: 17489852, 24469716, 28211254, 28483595, 29735907). ClinVar contains an entry for this variant (Variation ID: 2554). An algorithm developed to predict the effect of missense changes on protein structure and function (PolyPhen-2) suggests that this variant is likely to be disruptive. In summary, the available evidence is currently insufficient to determine the role of this variant in disease. Therefore, it has been classified as a Variant of Uncertain Significance.

Genomic Medicine Center of Excellence, King Faisal Specialist Hospital and Research Centre
Classification: Uncertain significance for Familial Mediterranean fever. Last evaluated: 2024-12-19. Review status: criteria provided, single submitter. Criteria: ACMG Guidelines, 2015. Collection method: clinical testing. Allele origin: germline.

Fulgent Genetics
Classification: Likely pathogenic for Familial Mediterranean fever, autosomal dominant; Familial Mediterranean fever; Acute febrile neutrophilic dermatosis. Last evaluated: 2024-04-09. Review status: criteria provided, single submitter. Criteria: ACMG Guidelines, 2015. Collection method: clinical testing. Allele origin: germline.

Baylor Genetics
Classification: Uncertain significance for Familial Mediterranean fever, autosomal dominant. Last evaluated: 2023-09-30. Review status: criteria provided, single submitter. Criteria: ACMG Guidelines, 2015. Collection method: clinical testing. Allele origin: unknown.